The following is an entry in ClinVar:

ClinVar aggregate classification (germline): Uncertain significance. Review status: criteria provided, multiple submitters, no conflicts (2 of 4 stars). 6 submissions from 6 submitters: Uncertain significance (6). Last evaluated 2025-11-03.

Conditions:
Epidermolysis bullosa simplex 5B, with muscular dystrophy (EBS5B). Also called: EPIDERMOLYSIS BULLOSA SIMPLEX AND LIMB-GIRDLE MUSCULAR DYSTROPHY; Epidermolysis bullosa simplex with muscular dystrophy. Identifiers: Orphanet 257, MedGen C2931072, MONDO:0009181, OMIM 226670.
Epidermolysis bullosa simplex, Ogna type (EBS5A). Also called: Pidermolysis bullosa simplex 5A, Ogna type; EPIDERMOLYSIS BULLOSA SIMPLEX 5A, OGNA TYPE. Identifiers: Orphanet 79401, MedGen C0432317, MONDO:0007555, OMIM 131950.
Epidermolysis bullosa simplex 5C, with pyloric atresia (EBS5C). Also called: PLEC1-Related Epidermolysis Bullosa with Pyloric Atresia; PLEC-Related Epidermolysis Bullosa with Pyloric Atresia; Epidermolysis bullosa simplex with pyloric atresia. Identifiers: Orphanet 158684, MedGen C2677349, MONDO:0012807, OMIM 612138.
Epidermolysis bullosa simplex with nail dystrophy (EBS5D). Identifiers: MedGen C4225309, MONDO:0014661, OMIM 616487.
Autosomal recessive limb-girdle muscular dystrophy type 2Q (LGMDR17). Also called: MUSCULAR DYSTROPHY, LIMB-GIRDLE, AUTOSOMAL RECESSIVE 17. Identifiers: Orphanet 254361, MedGen C3150989, MONDO:0013390, OMIM 613723.
Inborn genetic diseases. Identifiers: MedGen C0950123, MeSH D030342.

Allele frequency attached by ClinVar (database versions not stated): ExAC below 0.00001; gnomAD exomes 0.00001; gnomAD 0.00002 and 0.00003; TOPMed 0.00004.
gnomAD v4.1: 33 of 1,583,046 alleles (0.0021%); highest among the groups gnomAD compares: Middle Eastern, 0.017%; no homozygotes.

Submissions (6):

Athena Diagnostics
Classification: Uncertain significance. Last evaluated: 2025-11-03. Review status: criteria provided, single submitter. Criteria: Athena Diagnostics Criteria. Collection method: clinical testing. Allele origin: unknown.
Comment: Available data are insufficient to determine the clinical significance of the variant at this time. The frequency of this variant in the general population is uninformative in assessment of its pathogenicity. Polyphen and MutationTaster yielded discordant predictions regarding whether this amino acid change is damaging to the protein.

Labcorp Genetics (formerly Invitae), Labcorp
Classification: Uncertain significance for Autosomal recessive limb-girdle muscular dystrophy type 2Q; Epidermolysis bullosa simplex, Ogna type; Epidermolysis bullosa simplex with nail dystrophy; Epidermolysis bullosa simplex 5C, with pyloric atresia; Epidermolysis bullosa simplex 5B, with muscular dystrophy. Last evaluated: 2025-09-17. Review status: criteria provided, single submitter. Criteria: Invitae Variant Classification Sherloc (09022015). Collection method: clinical testing. Allele origin: germline.
Comment: This sequence change replaces glutamic acid, which is acidic and polar, with aspartic acid, which is acidic and polar, at codon 2375 of the PLEC protein (p.Glu2375Asp). This variant is present in population databases (rs782060299, gnomAD 0.003%). This variant has not been reported in the literature in individuals affected with PLEC-related conditions. ClinVar contains an entry for this variant (Variation ID: 538985). An algorithm developed to predict the effect of missense changes on protein structure and function (PolyPhen-2) suggests that this variant is likely to be disruptive. In summary, the available evidence is currently insufficient to determine the role of this variant in disease. Therefore, it has been classified as a Variant of Uncertain Significance.

CeGaT Center for Human Genetics Tuebingen
Classification: Uncertain significance. Last evaluated: 2022-06-01. Review status: criteria provided, single submitter. Criteria: CeGaT Center For Human Genetics Tuebingen Variant Classification Criteria Version 2. Collection method: clinical testing. Allele origin: germline. Affected: yes. Observed: 1 variant allele.
Comment: PLEC: PM2, BP4

Ambry Genetics
Classification: Uncertain significance for Inborn genetic diseases. Last evaluated: 2022-04-28. Review status: criteria provided, single submitter. Criteria: Ambry Variant Classification Scheme 2023. Collection method: clinical testing. Allele origin: germline.

Revvity Omics, Revvity
Classification: Uncertain significance. Last evaluated: 2019-10-07. Review status: criteria provided, single submitter. Criteria: ACMG Guidelines, 2015. Collection method: clinical testing. Allele origin: germline.

Breakthrough Genomics
Classification: Uncertain significance. Review status: criteria provided, single submitter. Criteria: ACMG Guidelines, 2015. Collection method: not provided. Allele origin: germline. Inheritance: Autosomal recessive inheritance. Affected: yes.

NM_201384.3(PLEC):c.7044G>C (p.Glu2348Asp)

Gene: PLEC (plectin; minus strand). Cytogenetic location: 8q24.3.
Variant type: single nucleotide variant.
Coding change: c.7044G>C on transcript NM_201384.3 (MANE Select); coding-DNA position 7044, G replaced by C.
Protein change: p.Glu2348Asp; replaces glutamic acid 2348 with aspartic acid.
Molecular consequence: missense variant.
Genome position (GRCh38, 1-based): chr8:143,922,885, C>G on the plus strand (G>C on the coding strand, the complement: PLEC is on the minus strand). VCF-style: chr8-143922885-C-G. GRCh37 (hg19) VCF-style: chr8-144997053-C-G.
Other names: c.7125G>C (NM_000445.3); c.7125G>C, p.Glu2375Asp (NM_000445.5); c.7002G>C, p.Glu2334Asp (NM_201378.4); c.6978G>C, p.Glu2326Asp (NM_201379.3); c.7455G>C, p.Glu2485Asp (NM_201380.4); c.6948G>C, p.Glu2316Asp (NM_201381.3); c.7044G>C, p.Glu2348Asp (NM_201382.4); c.7056G>C, p.Glu2352Asp (NM_201383.3); short protein forms E2326D, E2334D, E2348D, E2316D, E2352D, E2375D, E2485D.
Identifiers: ClinVar variation 538985 (VCV000538985.34), dbSNP rs782060299, ClinGen allele CA4925771.